The following is an entry in ClinVar:

NM_020778.5(ALPK3):c.1682C>T (p.Pro561Leu)

Gene: ALPK3 (alpha kinase 3; plus strand). Cytogenetic location: 15q25.3.
Variant type: single nucleotide variant.
Coding change: c.1682C>T on transcript NM_020778.5 (MANE Select); coding-DNA position 1682, C replaced by T.
Protein change: p.Pro561Leu; replaces proline 561 with leucine.
Molecular consequence: missense variant.
Genome position (GRCh38, 1-based): chr15:84,856,420, C>T. VCF-style: chr15-84856420-C-T. GRCh37 (hg19) VCF-style: chr15-85399651-C-T.
Other names: short protein forms P561L.
Identifiers: ClinVar variation 2497227 (VCV002497227.2), dbSNP rs748101596, ClinGen allele CA7709268.

ClinVar aggregate classification (germline): Uncertain significance (1 of 4 stars; one submission).

Conditions:
Cardiovascular phenotype. Identifiers: MedGen CN230736.

Allele frequency attached by ClinVar (database versions not stated): gnomAD 0.00001; gnomAD exomes 0.00001; ExAC 0.00003.
gnomAD v4.1: 11 of 1,608,480 alleles (0.00068%); highest among the groups gnomAD compares: South Asian, 0.0067%; no homozygotes.

Submission:

Ambry Genetics
Classification: Uncertain significance for Cardiovascular phenotype. Last evaluated: 2022-12-11. Review status: criteria provided, single submitter. Criteria: Ambry Variant Classification Scheme 2023. Collection method: clinical testing. Allele origin: germline.
Comment: The p.P763L variant (also known as c.2288C>T), located in coding exon 6 of the ALPK3 gene, results from a C to T substitution at nucleotide position 2288. The proline at codon 763 is replaced by leucine, an amino acid with similar properties. This amino acid position is conserved. In addition, this alteration is predicted to be tolerated by in silico analysis. Since supporting evidence is limited at this time, the clinical significance of this alteration remains unclear.